The following is an entry in ClinVar:

NM_014363.6(SACS):c.8131_8140del (p.Ser2711fs)

Gene: SACS (sacsin molecular chaperone; minus strand). Cytogenetic location: 13q12.12.
Variant type: Deletion.
Coding change: c.8131_8140del on transcript NM_014363.6 (MANE Select); coding-DNA positions 8131 to 8140, 10 bases deleted (TCGGAAATTT; older notation c.8131_8140delTCGGAAATTT).
Protein change: p.Ser2711fs; shifts the reading frame from serine 2711.
Molecular consequence: frameshift variant.
Genome position (GRCh38, 1-based): chr13:23,335,736-23,335,745, AAATTTCCGA deleted on the plus strand (TCGGAAATTT on the coding strand, the reverse complement: SACS is on the minus strand); deleting any 10 consecutive bases within chr13:23,335,736-23,335,747 gives the same sequence; the c. name uses the placement nearest the transcript's 3' end. VCF-style (leftmost placement, unchanged base first): chr13-23335735-GAAATTTCCGA-G. GRCh37 (hg19) VCF-style: chr13-23909874-GAAATTTCCGA-G.
Other names: c.7690_7699del, p.Ser2564fs (NM_001278055.2); c.8158_8167del, p.Ser2720fs (NM_001437336.1); short protein forms S2564fs, S2711fs, S2720fs.
Identifiers: ClinVar variation 4815714 (VCV004815714.1).

ClinVar aggregate classification (germline): Likely pathogenic (1 of 4 stars; one submission).

Conditions:
Charlevoix-Saguenay spastic ataxia (SACS). Also called: AUTOSOMAL RECESSIVE SPASTIC ATAXIA OF CHARLEVOIX-SAGUENAY; Spastic ataxia of Charlevoix-Saguenay; SPASTIC ATAXIA 6, AUTOSOMAL RECESSIVE. Identifiers: Orphanet 98, MedGen C1849140, MONDO:0010041, OMIM 270550.

Submission:

Natera, Inc.
Classification: Likely pathogenic for Charlevoix-Saguenay type spastic ataxia. Last evaluated: 2024-05-28. Review status: criteria provided, single submitter. Criteria: Natera Variant Classification Schema (03/2026). Collection method: clinical testing. Allele origin: germline.
Comment: The c.8131_8140del variant in SACS is a frameshift variant predicted to shift the reading frame beginning at codon 2711 and leads to a stop codon 25 codons downstream. This variant is expected to result in nonsense mediated decay, truncation, or a dysfunctional protein product. This variant is rare in the general population with a frequency below the threshold expected for the associated phenotype(s). Given the available evidence, this variant is classified as Likely Pathogenic.